The following is an entry in ClinVar:

ClinVar aggregate classification (germline): Benign/Likely benign. Review status: criteria provided, multiple submitters, no conflicts (2 of 4 stars). 17 submissions from 17 submitters: Benign (3); Likely benign (9). 5 of the submissions do not count toward it. Last evaluated 2026-05-14.

Conditions:
BAG3-related disorder. Also called: BAG3-related condition.
Cardiovascular phenotype. Identifiers: MedGen CN230736.
Dilated cardiomyopathy 1HH (CMD1HH). Identifiers: Orphanet 154, MedGen C3151293, MONDO:0013479, OMIM 613881.
Myofibrillar myopathy 6. Identifiers: Orphanet 199340, MedGen C2751831, MONDO:0013061, OMIM 612954.
Cardiomyopathy (CMYO). Also called: Cardiomyopathies. Identifiers: Orphanet 167848, MedGen C0878544, MONDO:0004994, HP:0001638. Inheritance: Various modes of inheritance.

Allele frequency attached by ClinVar (database versions not stated): 1000 Genomes Project 30x 0.00016; 1000 Genomes Project 0.00020; gnomAD exomes 0.00026 and 0.00031; ExAC 0.00029; gnomAD 0.00030 and 0.00033; TOPMed 0.00032; ESP Exome Variant Server 0.00038.
gnomAD v4.1: 505 of 1,614,220 alleles (0.031%); highest among the groups gnomAD compares: Non-Finnish European, 0.039%; 1 homozygote.

Submissions (17):

PreventionGenetics, part of Exact Sciences
Classification: Likely benign for BAG3-related condition. Last evaluated: 2026-05-14. Review status: criteria provided, single submitter. Criteria: ACMG Guidelines, 2015. Collection method: clinical testing. Allele origin: germline.
Comment: This variant is classified as likely benign based on ACMG/AMP sequence variant interpretation guidelines (Richards et al. 2015 PMID: 25741868, with internal and published modifications).

Labcorp Genetics (formerly Invitae), Labcorp
Classification: Likely benign for Dilated cardiomyopathy 1HH; Myofibrillar myopathy 6. Last evaluated: 2026-01-26. Review status: criteria provided, single submitter. Criteria: Invitae Variant Classification Sherloc (09022015). Collection method: clinical testing. Allele origin: germline.

Molecular Diagnostic Laboratory for Inherited Cardiovascular Disease, Montreal Heart Institute
Classification: Benign. Last evaluated: 2025-04-09. Review status: criteria provided, single submitter. Criteria: ACMG Guidelines, 2015. Collection method: clinical testing. Allele origin: germline. Affected: no.

Blueprint Genetics
Classification: Likely benign. Last evaluated: 2024-09-20. Review status: criteria provided, single submitter. Criteria: ACMG Guidelines, 2015. Collection method: clinical testing. Allele origin: germline.

Women's Health and Genetics/Laboratory Corporation of America, LabCorp
Classification: Benign. Last evaluated: 2023-09-18. Review status: criteria provided, single submitter. Criteria: LabCorp Variant Classification Summary - May 2015. Collection method: clinical testing. Allele origin: germline.
Comment: Variant summary: BAG3 c.230C>T (p.Pro77Leu) results in a non-conservative amino acid change in the encoded protein sequence. Four of five in-silico tools predict a benign effect of the variant on protein function. The variant allele was found at a frequency of 0.00026 in 251396 control chromosomes, predominantly at a frequency of 0.00047 within the Non-Finnish European subpopulation in the gnomAD database, including 1 homozygote. The observed variant frequency within Non-Finnish European control individuals in the gnomAD database is approximately 12-fold of the estimated maximal expected allele frequency for a pathogenic variant in BAG3 causing Dilated Cardiomyopathy phenotype (3.9e-05), strongly suggesting that the variant is a benign polymorphism. To our knowledge, no occurrence of c.230C>T in individuals affected with Dilated Cardiomyopathy and no experimental evidence demonstrating its impact on protein function have been reported. Six submitters have cited clinical-significance assessments for this variant to ClinVar after 2014. All submitters classified the variant as benign/likely benign. Based on the evidence outlined above, the variant was classified as benign.

CeGaT Center for Human Genetics Tuebingen
Classification: Likely benign. Last evaluated: 2022-07-01. Review status: criteria provided, single submitter. Criteria: CeGaT Center For Human Genetics Tuebingen Variant Classification Criteria Version 2. Collection method: clinical testing. Allele origin: germline. Affected: yes. Observed: 1 variant allele.
Comment: BAG3: BP4, BS2

CHEO Genetics Diagnostic Laboratory, Children's Hospital of Eastern Ontario
Classification: Likely benign for Cardiomyopathy. Last evaluated: 2022-03-10. Review status: criteria provided, single submitter. Criteria: ACMG Guidelines, 2015. Collection method: clinical testing. Allele origin: germline.

GeneDx
Classification: Likely benign. Last evaluated: 2020-12-04. Review status: criteria provided, single submitter. Criteria: GeneDx Variant Classification Process June 2021. Collection method: clinical testing. Allele origin: germline. Affected: yes.
Comment: This variant is associated with the following publications: (PMID: 27042682)

Ambry Genetics
Classification: Likely benign for Cardiovascular phenotype. Last evaluated: 2019-08-06. Review status: criteria provided, single submitter. Criteria: Ambry Variant Classification Scheme 2023. Collection method: clinical testing. Allele origin: germline.

Center for Advanced Laboratory Medicine, UC San Diego Health, University of California San Diego
Classification: Likely benign for Cardiomyopathy. Last evaluated: 2019-04-01. Review status: criteria provided, single submitter. Criteria: ACMG Guidelines, 2015. Collection method: clinical testing. Allele origin: germline. Affected: yes. Observed: 1 variant allele.

Athena Diagnostics
Classification: Benign. Last evaluated: 2017-02-24. Review status: criteria provided, single submitter. Criteria: Athena Diagnostics Criteria. Collection method: clinical testing. Allele origin: germline.

Laboratory for Molecular Medicine, Mass General Brigham Personalized Medicine
Classification: Likely benign. Last evaluated: 2014-06-05. Review status: criteria provided, single submitter. Criteria: LMM Criteria. Collection method: clinical testing. Allele origin: germline. Observed: 1 variant allele.
Comment: Pro77Leu in exon 2 of BAG3: This variant is not expected to have clinical signif icance due to a lack of conservation across species, including mammals. Of note, >45 mammals and other species have a leucine (Leu) at this position despite hig h nearby amino acid conservation. In addition, computational prediction tools do not suggest a high likelihood of impact to the protein. It has also been identi fied in 5/8600 European American chromosomes by the NHLBI Exome Sequencing Proje ct (dbSNP rs141355480).

Clinical Genetics DNA and cytogenetics Diagnostics Lab, Erasmus MC, Erasmus Medical Center
Classification: Likely benign. Review status: no assertion criteria provided. Collection method: clinical testing. Allele origin: germline. Affected: yes. Study: VKGL Data-share Consensus. Not counted in ClinVar's aggregate classification.

Clinical Genetics, Academic Medical Center
Classification: Likely benign. Review status: no assertion criteria provided. Collection method: clinical testing. Allele origin: germline. Affected: yes. Study: VKGL Data-share Consensus. Not counted in ClinVar's aggregate classification.

Diagnostic Laboratory, Department of Genetics, University Medical Center Groningen
Classification: Likely benign. Review status: no assertion criteria provided. Collection method: clinical testing. Allele origin: germline. Affected: yes. Study: VKGL Data-share Consensus. Not counted in ClinVar's aggregate classification.

Genome Diagnostics Laboratory, University Medical Center Utrecht
Classification: Likely benign. Review status: no assertion criteria provided. Collection method: clinical testing. Allele origin: germline. Affected: yes. Study: VKGL Data-share Consensus. Not counted in ClinVar's aggregate classification.

Joint Genome Diagnostic Labs from Nijmegen and Maastricht, Radboudumc and MUMC+
Classification: Likely benign. Review status: no assertion criteria provided. Collection method: clinical testing. Allele origin: germline. Affected: yes. Study: VKGL Data-share Consensus. Not counted in ClinVar's aggregate classification.

Literature cited by the submitters: PubMed 21459883 (cited by Ambry Genetics); PubMed 27042682 (cited by Ambry Genetics and Athena Diagnostics).

NM_004281.4(BAG3):c.230C>T (p.Pro77Leu)

Gene: BAG3 (BAG cochaperone 3; plus strand). Cytogenetic location: 10q26.11.
Variant type: single nucleotide variant.
Coding change: c.230C>T on transcript NM_004281.4 (MANE Select); coding-DNA position 230, C replaced by T.
Protein change: p.Pro77Leu; replaces proline 77 with leucine.
Molecular consequence: missense variant.
Genome position (GRCh38, 1-based): chr10:119,669,900, C>T. VCF-style: chr10-119669900-C-T. GRCh37 (hg19) VCF-style: chr10-121429412-C-T.
Other names: short protein forms P77L.
Identifiers: ClinVar variation 162774 (VCV000162774.62), dbSNP rs141355480, ClinGen allele CA175282.